The following is an entry in ClinVar:

ClinVar aggregate classification (germline): Uncertain significance (1 of 4 stars; one submission).

Conditions:
RASopathy. Also called: rasopathies; Noonan spectrum disorder. Identifiers: Orphanet 536391, MedGen C5555857, MONDO:0021060.

gnomAD v4.1: 1 of 1,606,590 alleles (0.000062%); highest among the groups gnomAD compares: Non-Finnish European, 0.000085%; no homozygotes.

Submission:

Labcorp Genetics (formerly Invitae), Labcorp
Classification: Uncertain significance for RASopathy. Last evaluated: 2025-12-22. Review status: criteria provided, single submitter. Criteria: Invitae Variant Classification Sherloc (09022015). Collection method: clinical testing. Allele origin: germline.
Comment: This sequence change replaces isoleucine, which is neutral and non-polar, with valine, which is neutral and non-polar, at codon 157 of the SOS1 protein (p.Ile157Val). This variant is not present in population databases (gnomAD no frequency). This variant has not been reported in the literature in individuals affected with SOS1-related conditions. Invitae Evidence Modeling of protein sequence and biophysical properties (such as structural, functional, and spatial information, amino acid conservation, physicochemical variation, residue mobility, and thermodynamic stability) has been performed for this missense variant. However, the output from this modeling did not meet the statistical confidence thresholds required to predict the impact of this variant on SOS1 protein function. In summary, the available evidence is currently insufficient to determine the role of this variant in disease. Therefore, it has been classified as a Variant of Uncertain Significance.

NM_005633.4(SOS1):c.469A>G (p.Ile157Val)

Gene: SOS1 (SOS Ras/Rac guanine nucleotide exchange factor 1; minus strand). Cytogenetic location: 2p22.1.
Variant type: single nucleotide variant.
Coding change: c.469A>G on transcript NM_005633.4 (MANE Select); coding-DNA position 469, A replaced by G.
Protein change: p.Ile157Val; replaces isoleucine 157 with valine.
Molecular consequence: missense variant.
Genome position (GRCh38, 1-based): chr2:39,056,743, T>C on the plus strand (A>G on the coding strand, the complement: SOS1 is on the minus strand). VCF-style: chr2-39056743-T-C. GRCh37 (hg19) VCF-style: chr2-39283884-T-C.
Other names: c.448A>G, p.Ile150Val (NM_001382394.1); c.469A>G, p.Ile157Val (NM_001382395.1); short protein forms I157V, I150V.
Identifiers: ClinVar variation 4693728 (VCV004693728.1).